The following is an entry in ClinVar:

ClinVar aggregate classification (germline): Pathogenic/Likely pathogenic. Review status: criteria provided, multiple submitters, no conflicts (2 of 4 stars). 2 submissions from 2 submitters: Pathogenic (1); Likely pathogenic (1). Last evaluated 2024-07-24.

Conditions:
Nephronophthisis 15 (NPHP15). Identifiers: Orphanet 3156, MedGen C3541853, MONDO:0013917, OMIM 614845.
Multiple congenital anomalies/dysmorphic syndrome-intellectual disability. Identifiers: Orphanet 102283, MedGen C5680372, MONDO:0015159.

Allele frequency attached by ClinVar (database versions not stated): TOPMed below 0.00001; gnomAD exomes 0.00001.
gnomAD v4.1: 5 of 1,613,854 alleles (0.00031%); highest among the groups gnomAD compares: Non-Finnish European, 0.00034%; no homozygotes.

Submissions (2):

Labcorp Genetics (formerly Invitae), Labcorp
Classification: Pathogenic for Nephronophthisis 15. Last evaluated: 2024-07-24. Review status: criteria provided, single submitter. Criteria: Invitae Variant Classification Sherloc (09022015). Collection method: clinical testing. Allele origin: germline.
Comment: This sequence change creates a premature translational stop signal (p.Gln682*) in the CEP164 gene. It is expected to result in an absent or disrupted protein product. Loss-of-function variants in CEP164 are known to be pathogenic (PMID: 22863007, 28125082, 32367404, 34132027, 34499853). This variant is not present in population databases (gnomAD no frequency). This variant has not been reported in the literature in individuals affected with CEP164-related conditions. ClinVar contains an entry for this variant (Variation ID: 2078453). For these reasons, this variant has been classified as Pathogenic.

AURAGEN, Plan France Médecine Génomique
Classification: Likely pathogenic for Multiple congenital anomalies/dysmorphic syndrome-intellectual disability. Last evaluated: 2022-03-08. Review status: criteria provided, single submitter. Criteria: PFMG2025 (Lancet Reg Health Eur. 2025). Collection method: clinical testing. Allele origin: germline. Affected: yes.

Literature cited by the submitters: PubMed 22863007 (cited by Labcorp Genetics (formerly Invitae), Labcorp); PubMed 28125082 (cited by Labcorp Genetics (formerly Invitae), Labcorp); PubMed 32367404 (cited by Labcorp Genetics (formerly Invitae), Labcorp); PubMed 34132027 (cited by Labcorp Genetics (formerly Invitae), Labcorp); PubMed 34499853 (cited by Labcorp Genetics (formerly Invitae), Labcorp).

NM_014956.5(CEP164):c.2044C>T (p.Gln682Ter)

Gene: CEP164 (centrosomal protein 164; plus strand). Cytogenetic location: 11q23.3.
Variant type: single nucleotide variant.
Coding change: c.2044C>T on transcript NM_014956.5 (MANE Select); coding-DNA position 2044, C replaced by T.
Protein change: p.Gln682Ter; replaces glutamine 682 with a stop codon.
Molecular consequence: nonsense.
Genome position (GRCh38, 1-based): chr11:117,390,886, C>T. VCF-style: chr11-117390886-C-T. GRCh37 (hg19) VCF-style: chr11-117261602-C-T.
Other names: c.2053C>T, p.Gln685Ter (NM_001271933.2); short protein forms Q682*, Q685*.
Identifiers: ClinVar variation 2078453 (VCV002078453.5), dbSNP rs1206116722, ClinGen allele CA382721678.